The following is an entry in ClinVar:

NM_001367823.1(ARHGEF18):c.3238G>A (p.Glu1080Lys)

Gene: ARHGEF18 (Rho/Rac guanine nucleotide exchange factor 18; plus strand). Cytogenetic location: 19p13.2.
Variant type: single nucleotide variant.
Coding change: c.3238G>A on transcript NM_001367823.1 (MANE Select); coding-DNA position 3238, G replaced by A.
Protein change: p.Glu1080Lys; replaces glutamic acid 1080 with lysine.
Molecular consequence: missense variant.
Genome position (GRCh38, 1-based): chr19:7,467,442, G>A. VCF-style: chr19-7467442-G-A. GRCh37 (hg19) VCF-style: chr19-7532328-G-A.
Other names: c.2200G>A, p.Glu734Lys (NM_001367824.1, NM_015318.4); c.2512G>A, p.Glu838Lys (NM_001130955.2); short protein forms E1080K, E838K, E734K.
Identifiers: ClinVar variation 1397612 (VCV001397612.6), dbSNP rs1165422979, ClinGen allele CA403088433.

ClinVar aggregate classification (germline): Uncertain significance (1 of 4 stars; one submission).

Allele frequency attached by ClinVar (database versions not stated): TOPMed below 0.00001; gnomAD 0.00001; 1000 Genomes Project 30x 0.00016.
gnomAD v4.1: 5 of 1,528,794 alleles (0.00033%); highest among the groups gnomAD compares: East Asian, 0.012%; no homozygotes.

Submission:

Labcorp Genetics (formerly Invitae), Labcorp
Classification: Uncertain significance. Last evaluated: 2022-11-01. Review status: criteria provided, single submitter. Criteria: Invitae Variant Classification Sherloc (09022015). Collection method: clinical testing. Allele origin: germline.
Comment: This sequence change replaces glutamic acid, which is acidic and polar, with lysine, which is basic and polar, at codon 892 of the ARHGEF18 protein (p.Glu892Lys). In summary, the available evidence is currently insufficient to determine the role of this variant in disease. Therefore, it has been classified as a Variant of Uncertain Significance. Algorithms developed to predict the effect of missense changes on protein structure and function are either unavailable or do not agree on the potential impact of this missense change (SIFT: "Deleterious"; PolyPhen-2: "Probably Damaging"; Align-GVGD: "Class C0"). ClinVar contains an entry for this variant (Variation ID: 1397612). This variant has not been reported in the literature in individuals affected with ARHGEF18-related conditions. This variant is not present in population databases (gnomAD no frequency).